The following is an entry in ClinVar:

NM_007059.4(KPTN):c.57C>G (p.Phe19Leu)

Gene: KPTN (kaptin, actin binding protein; minus strand). Cytogenetic location: 19q13.32.
Variant type: single nucleotide variant.
Coding change: c.57C>G on transcript NM_007059.4 (MANE Select); coding-DNA position 57, C replaced by G.
Protein change: p.Phe19Leu; replaces phenylalanine 19 with leucine.
Molecular consequence: missense variant. On other transcripts: non-coding transcript variant (1).
Genome position (GRCh38, 1-based): chr19:47,484,104, G>C on the plus strand (C>G on the coding strand, the complement: KPTN is on the minus strand). VCF-style: chr19-47484104-G-C. GRCh37 (hg19) VCF-style: chr19-47987361-G-C.
Other names: c.57C>G, p.Phe19Leu (NM_001291296.2); short protein forms F19L.
Identifiers: ClinVar variation 2037605 (VCV002037605.4), dbSNP rs1967991718, ClinGen allele CA406607103.

ClinVar aggregate classification (germline): Uncertain significance (1 of 4 stars; one submission).

Conditions:
Macrocephaly-developmental delay syndrome (MRT41). Also called: INTELLECTUAL DEVELOPMENTAL DISORDER, AUTOSOMAL RECESSIVE 41. Identifiers: Orphanet 397612, MedGen C3810225, MONDO:0014289, OMIM 615637.

Allele frequency attached by ClinVar (database versions not stated): gnomAD exomes below 0.00001; TOPMed below 0.00001.
gnomAD v4.1: 4 of 1,605,052 alleles (0.00025%); highest among the groups gnomAD compares: Non-Finnish European, 0.00034%; no homozygotes.

Submission:

Labcorp Genetics (formerly Invitae), Labcorp
Classification: Uncertain significance for Macrocephaly-developmental delay syndrome. Last evaluated: 2021-12-08. Review status: criteria provided, single submitter. Criteria: Invitae Variant Classification Sherloc (09022015). Collection method: clinical testing. Allele origin: germline.
Comment: In summary, the available evidence is currently insufficient to determine the role of this variant in disease. Therefore, it has been classified as a Variant of Uncertain Significance. This sequence change replaces phenylalanine, which is neutral and non-polar, with leucine, which is neutral and non-polar, at codon 19 of the KPTN protein (p.Phe19Leu). This variant is not present in population databases (gnomAD no frequency). This variant has not been reported in the literature in individuals affected with KPTN-related conditions. Algorithms developed to predict the effect of missense changes on protein structure and function are either unavailable or do not agree on the potential impact of this missense change (SIFT: "Deleterious"; PolyPhen-2: "Probably Damaging"; Align-GVGD: "Class C0").